The following is an entry in ClinVar:

ClinVar aggregate classification (germline): Uncertain significance. Review status: criteria provided, multiple submitters, no conflicts (2 of 4 stars). 2 submissions from 2 submitters: Uncertain significance (2). Last evaluated 2025-02-17.

Conditions:
Hereditary pancreatitis (PCTT). Also called: PRSS1-Related Hereditary Pancreatitis; Hereditary chronic pancreatitis. Identifiers: Orphanet 676, MedGen C0238339, MONDO:0008185, OMIM 167800.

gnomAD v4.1: 3 of 1,614,150 alleles (0.00019%); highest among the groups gnomAD compares: Non-Finnish European, 0.00025%; no homozygotes.

Submissions (2):

Ambry Genetics
Classification: Uncertain significance for Hereditary pancreatitis. Last evaluated: 2025-02-17. Review status: criteria provided, single submitter. Criteria: Ambry Variant Classification Scheme 2023. Collection method: clinical testing. Allele origin: germline.
Comment: The p.A339D variant (also known as c.1016C>A), located in coding exon 9 of the CPA1 gene, results from a C to A substitution at nucleotide position 1016. The alanine at codon 339 is replaced by aspartic acid, an amino acid with dissimilar properties. This amino acid position is conserved. In addition, the in silico prediction for this alteration is inconclusive. Since supporting evidence is limited at this time, the clinical significance of this alteration remains unclear.

Labcorp Genetics (formerly Invitae), Labcorp
Classification: Uncertain significance. Last evaluated: 2022-01-06. Review status: criteria provided, single submitter. Criteria: Invitae Variant Classification Sherloc (09022015). Collection method: clinical testing. Allele origin: germline.
Comment: This variant has not been reported in the literature in individuals affected with CPA1-related conditions. ClinVar contains an entry for this variant (Variation ID: 1016008). This variant is not present in population databases (gnomAD no frequency). Algorithms developed to predict the effect of missense changes on protein structure and function (SIFT, PolyPhen-2, Align-GVGD) all suggest that this variant is likely to be tolerated. In summary, the available evidence is currently insufficient to determine the role of this variant in disease. Therefore, it has been classified as a Variant of Uncertain Significance. This sequence change replaces alanine, which is neutral and non-polar, with aspartic acid, which is acidic and polar, at codon 339 of the CPA1 protein (p.Ala339Asp).

NM_001868.4(CPA1):c.1016C>A (p.Ala339Asp)

Gene: CPA1 (carboxypeptidase A1; plus strand). Cytogenetic location: 7q32.2.
Variant type: single nucleotide variant.
Coding change: c.1016C>A on transcript NM_001868.4 (MANE Select); coding-DNA position 1016, C replaced by A.
Protein change: p.Ala339Asp; replaces alanine 339 with aspartic acid.
Molecular consequence: missense variant.
Genome position (GRCh38, 1-based): chr7:130,385,867, C>A. VCF-style: chr7-130385867-C-A. GRCh37 (hg19) VCF-style: chr7-130025708-C-A.
Other names: short protein forms A339D.
Identifiers: ClinVar variation 1016008 (VCV001016008.11), dbSNP rs1796467819, ClinGen allele CA369284028.